The following is an entry in ClinVar:

ClinVar aggregate classification (germline): Uncertain significance. Review status: criteria provided, multiple submitters, no conflicts (2 of 4 stars). 3 submissions from 3 submitters: Uncertain significance (3). Last evaluated 2025-08-07.

Conditions:
Cardiovascular phenotype. Identifiers: MedGen CN230736.
Cardiomyopathy (CMYO). Also called: Cardiomyopathies. Identifiers: Orphanet 167848, MedGen C0878544, MONDO:0004994, HP:0001638. Inheritance: Various modes of inheritance.
Arrhythmogenic cardiomyopathy with wooly hair and keratoderma. Also called: PALMOPLANTAR KERATODERMA WITH LEFT VENTRICULAR CARDIOMYOPATHY AND WOOLLY HAIR; Carvajal syndrome; Dilated cardiomyopathy with woolly hair and keratoderma; Arrhythmogenic cardiomyopathy with woolly hair and keratoderma. Identifiers: Orphanet 65282, MedGen C1854063, MONDO:0011581, OMIM 605676.

gnomAD v4.1: 2 of 1,608,130 alleles (0.00012%); highest among the groups gnomAD compares: Non-Finnish European, 0.00017%; no homozygotes.

Submissions (3):

Ambry Genetics
Classification: Uncertain significance for Cardiovascular phenotype. Last evaluated: 2025-08-07. Review status: criteria provided, single submitter. Criteria: Ambry Variant Classification Scheme 2023. Collection method: clinical testing. Allele origin: germline.

Color Diagnostics, LLC DBA Color Health
Classification: Uncertain significance for Cardiomyopathy. Last evaluated: 2024-03-06. Review status: criteria provided, single submitter. Criteria: ACMG Guidelines, 2015. Collection method: clinical testing. Allele origin: germline.
Comment: This missense variant replaces glycine with alanine at codon 2832 of the DSP protein. Computational prediction suggests that this variant may not impact protein structure and function (internally defined REVEL score threshold <= 0.5, PMID: 27666373). To our knowledge, functional studies have not been reported for this variant. This variant has not been reported in individuals affected with DSP-related disorders in the literature. This variant has not been identified in the general population by the Genome Aggregation Database (gnomAD). The available evidence is insufficient to determine the role of this variant in disease conclusively. Therefore, this variant is classified as a Variant of Uncertain Significance.

All of Us Research Program, National Institutes of Health
Classification: Uncertain significance for Arrhythmogenic cardiomyopathy with wooly hair and keratoderma. Last evaluated: 2023-04-03. Review status: criteria provided, single submitter. Criteria: ACMG Guidelines, 2015. Collection method: clinical testing. Allele origin: germline. Inheritance: Autosomal dominant inheritance. Observed: 1 variant allele, 1 heterozygote.
Comment: This missense variant replaces glycine with alanine at codon 2832 of the DSP protein. Computational prediction suggests that this variant may not impact protein structure and function (internally defined REVEL score threshold <= 0.5, PMID: 27666373). To our knowledge, functional studies have not been reported for this variant. This variant has not been reported in individuals affected with DSP-related disorders in the literature. This variant has not been identified in the general population by the Genome Aggregation Database (gnomAD). The available evidence is insufficient to determine the role of this variant in disease conclusively. Therefore, this variant is classified as a Variant of Uncertain Significance.

This study involves interpretation of variants in research participants for the purpose of population health screening. Participant phenotype was not available at the time of variant classification. Additional details can be found in publication PMID: 35346344, PMCID: PMC8962531

NM_004415.4(DSP):c.8495G>C (p.Gly2832Ala)

Gene: DSP (desmoplakin; plus strand). Cytogenetic location: 6p24.3.
Variant type: single nucleotide variant.
Coding change: c.8495G>C on transcript NM_004415.4 (MANE Select); coding-DNA position 8495, G replaced by C.
Protein change: p.Gly2832Ala; replaces glycine 2832 with alanine.
Molecular consequence: missense variant.
Genome position (GRCh38, 1-based): chr6:7,585,757, G>C. VCF-style: chr6-7585757-G-C. GRCh37 (hg19) VCF-style: chr6-7585990-G-C.
Other names: c.6698G>C, p.Gly2233Ala (NM_001008844.3); c.7166G>C, p.Gly2389Ala (NM_001319034.2); short protein forms G2233A, G2389A, G2832A.
Identifiers: ClinVar variation 921189 (VCV000921189.7), dbSNP rs397516970, ClinGen allele CA362695260.